The following is an entry in ClinVar:

NM_017763.6(RNF43):c.687+2T>C

Gene: RNF43 (ring finger protein 43; minus strand). Cytogenetic location: 17q22.
Variant type: single nucleotide variant.
Coding change: c.687+2T>C on transcript NM_017763.6 (MANE Select); the canonical splice donor site of the intron after coding-DNA position 687, T replaced by C.
Molecular consequence: splice donor variant.
Genome position (GRCh38, 1-based): chr17:58,362,542, A>G on the plus strand (T>C on the coding strand, the complement: RNF43 is on the minus strand). VCF-style: chr17-58362542-A-G. GRCh37 (hg19) VCF-style: chr17-56439903-A-G.
Other names: c.687+2T>C (NM_001438822.1, NM_001305544.3, NM_001438820.1 and 1 more transcripts); c.306+2T>C (NM_001305545.2, NM_001437987.1).
Identifiers: ClinVar variation 1058268 (VCV001058268.7), dbSNP rs2143458253, ClinGen allele CA400335927.

ClinVar aggregate classification (germline): Uncertain significance (1 of 4 stars; one submission).

Submission:

Labcorp Genetics (formerly Invitae), Labcorp
Classification: Uncertain significance. Last evaluated: 2020-03-09. Review status: criteria provided, single submitter. Criteria: Invitae Variant Classification Sherloc (09022015). Collection method: clinical testing. Allele origin: germline.
Comment: In summary, the available evidence is currently insufficient to determine the role of this variant in disease. Therefore, it has been classified as a Variant of Uncertain Significance. The current clinical and genetic evidence is not sufficient to establish whether loss-of-function variants in RNF43 cause disease. Algorithms developed to predict the effect of sequence changes on RNA splicing suggest that this variant may disrupt the consensus splice site, but this prediction has not been confirmed by published transcriptional studies. This variant has not been reported in the literature in individuals with RNF43-related conditions. This variant is not present in population databases (ExAC no frequency). This sequence change affects a donor splice site in intron 6 of the RNF43 gene. It is expected to disrupt RNA splicing and likely results in an absent or disrupted protein product.